The following is an entry in ClinVar:

NM_006005.3(WFS1):c.363C>T (p.Leu121=)

Gene: WFS1 (wolframin ER transmembrane glycoprotein; plus strand). Cytogenetic location: 4p16.1.
Variant type: single nucleotide variant.
Coding change: c.363C>T on transcript NM_006005.3 (MANE Select); coding-DNA position 363, C replaced by T.
Protein change: p.Leu121=; no amino-acid change (leucine 121 retained).
Molecular consequence: synonymous variant.
Genome position (GRCh38, 1-based): chr4:6,289,034, C>T. VCF-style: chr4-6289034-C-T. GRCh37 (hg19) VCF-style: chr4-6290761-C-T.
Other names: c.363C>T, p.Leu121= (NM_001145853.1).
Identifiers: ClinVar variation 707640 (VCV000707640.15), dbSNP rs140229545, ClinGen allele CA2838874.

ClinVar aggregate classification (germline): Benign/Likely benign. Review status: criteria provided, multiple submitters, no conflicts (2 of 4 stars). 5 submissions from 5 submitters: Benign (2); Likely benign (3). Last evaluated 2025-12-29.

Conditions:
WFS1-related disorder. Identifiers: MedGen CN379391, MONDO:0700293.
Wolfram syndrome 1 (WFS1). Identifiers: Orphanet 3463, MedGen C4551693, MONDO:0009101, OMIM 222300.

Allele frequency attached by ClinVar (database versions not stated): gnomAD exomes 0.00005 and 0.00018; ExAC 0.00028; 1000 Genomes Project 0.00040; 1000 Genomes Project 30x 0.00047; gnomAD 0.00063 and 0.00067; TOPMed 0.00073; ESP Exome Variant Server 0.00092.
gnomAD v4.1: 177 of 1,606,896 alleles (0.011%); highest among the groups gnomAD compares: African/African-American, 0.21%; no homozygotes.

Submissions (5):

Labcorp Genetics (formerly Invitae), Labcorp
Classification: Benign. Last evaluated: 2025-12-29. Review status: criteria provided, single submitter. Criteria: Invitae Variant Classification Sherloc (09022015). Collection method: clinical testing. Allele origin: germline.

PreventionGenetics, part of Exact Sciences
Classification: Likely benign for WFS1-related condition. Last evaluated: 2025-04-28. Review status: criteria provided, single submitter. Criteria: ACMG Guidelines, 2015. Collection method: clinical testing. Allele origin: germline.
Comment: This variant is classified as likely benign based on ACMG/AMP sequence variant interpretation guidelines (Richards et al. 2015 PMID: 25741868, with internal and published modifications).

Blueprint Genetics
Classification: Likely benign. Last evaluated: 2022-08-22. Review status: criteria provided, single submitter. Criteria: ACMG Guidelines, 2015. Collection method: clinical testing. Allele origin: germline.

GeneDx
Classification: Likely benign. Last evaluated: 2020-11-24. Review status: criteria provided, single submitter. Criteria: GeneDx Variant Classification Process June 2021. Collection method: clinical testing. Allele origin: germline. Affected: yes.

Clinical Genomics, Uppaluri K&H Personalized Medicine Clinic
Classification: Benign for Wolfram syndrome 1. Review status: criteria provided, single submitter. Criteria: K & H Uppaluri Personalized Medicine Clinic Variant Classification & Assertion Criteria_Updated V.1. Collection method: research. Allele origin: unknown. Inheritance: Autosomal recessive inheritance.
Comment: Potent mutations in WFS1 gene are associated with Wolfram's syndrome, an autosomal recessive condition, which cause diabetes mellitus, diabetes insipidus, deafness and optic atrophy. However no sufficient evidence is found to ascertain the role of this particular variant rs140229545 in Wolfram's syndrome yet.

Literature cited by the submitters: PubMed 20738327 (cited by Clinical Genomics, Uppaluri K&H Personalized Medicine Clinic); PubMed 33879153 (cited by Clinical Genomics, Uppaluri K&H Personalized Medicine Clinic); PubMed 12955714 (cited by Clinical Genomics, Uppaluri K&H Personalized Medicine Clinic); PubMed 18060660 (cited by Clinical Genomics, Uppaluri K&H Personalized Medicine Clinic); PubMed 20301750 (cited by Clinical Genomics, Uppaluri K&H Personalized Medicine Clinic); PubMed 17603484 (cited by Clinical Genomics, Uppaluri K&H Personalized Medicine Clinic).